The following is an entry in ClinVar:

ClinVar aggregate classification (germline): Uncertain significance. Review status: criteria provided, multiple submitters, no conflicts (2 of 4 stars). 2 submissions from 2 submitters: Uncertain significance (2). Last evaluated 2025-12-15.

Conditions:
Early-infantile DEE. Also called: Early infantile epileptic encephalopathy with suppression bursts; Early infantile epileptic encephalopathy; Ohtahara syndrome. Identifiers: Orphanet 1934, MedGen C0393706, MONDO:0800491.
Inborn genetic diseases. Identifiers: MedGen C0950123, MeSH D030342.

Submissions (2):

Labcorp Genetics (formerly Invitae), Labcorp
Classification: Uncertain significance for Early-infantile DEE. Last evaluated: 2025-12-15. Review status: criteria provided, single submitter. Criteria: Invitae Variant Classification Sherloc (09022015). Collection method: clinical testing. Allele origin: germline.
Comment: This sequence change replaces cysteine, which is neutral and slightly polar, with serine, which is neutral and polar, at codon 1864 of the SCN1A protein (p.Cys1864Ser). This variant is not present in population databases (gnomAD no frequency). This variant has not been reported in the literature in individuals affected with SCN1A-related conditions. ClinVar contains an entry for this variant (Variation ID: 1748495). Invitae Evidence Modeling of protein sequence and biophysical properties (such as structural, functional, and spatial information, amino acid conservation, physicochemical variation, residue mobility, and thermodynamic stability) indicates that this missense variant is expected to disrupt SCN1A protein function with a positive predictive value of 95%. In summary, the available evidence is currently insufficient to determine the role of this variant in disease. Therefore, it has been classified as a Variant of Uncertain Significance.

Ambry Genetics
Classification: Uncertain significance for Inborn genetic diseases. Last evaluated: 2020-06-22. Review status: criteria provided, single submitter. Criteria: Ambry Variant Classification Scheme 2023. Collection method: clinical testing. Allele origin: germline.
Comment: The p.C1864S variant (also known as c.5591G>C), located in coding exon 26 of the SCN1A gene, results from a G to C substitution at nucleotide position 5591. The cysteine at codon 1864 is replaced by serine, an amino acid with dissimilar properties. This amino acid position is highly conserved in available vertebrate species. In addition, this alteration is predicted to be deleterious by in silico analysis. Since supporting evidence is limited at this time, the clinical significance of this alteration remains unclear.

NM_001165963.4(SCN1A):c.5591G>C (p.Cys1864Ser)

Genes: SCN1A (sodium voltage-gated channel alpha subunit 1; minus strand), LOC102724058 (uncharacterized LOC102724058; plus strand). Cytogenetic location: 2q24.3.
Variant type: single nucleotide variant.
Coding change: c.5591G>C on transcript NM_001165963.4 (MANE Select); coding-DNA position 5591, G replaced by C.
Protein change: p.Cys1864Ser; replaces cysteine 1864 with serine.
Molecular consequence: missense variant. On other transcripts: non-coding transcript variant (1).
Genome position (GRCh38, 1-based): chr2:165,991,684, C>G on the plus strand (G>C on the coding strand, the complement: SCN1A is on the minus strand). VCF-style: chr2-165991684-C-G. GRCh37 (hg19) VCF-style: chr2-166848194-C-G.
Other names: c.5507G>C, p.Cys1836Ser (NM_001165964.3, NM_001353957.2, NM_001353958.2); c.5591G>C, p.Cys1864Ser (NM_001202435.3, NM_001353948.2); c.5558G>C, p.Cys1853Ser (NM_001353949.2, NM_001353950.2, NM_001353951.2 and 2 more transcripts); c.5555G>C, p.Cys1852Ser (NM_001353954.2, NM_001353955.2); c.5504G>C, p.Cys1835Ser (NM_001353960.2); c.3149G>C, p.Cys1050Ser (NM_001353961.2); short protein forms C1836S, C1853S, C1050S, C1835S, C1852S, C1864S.
Identifiers: ClinVar variation 1748495 (VCV001748495.5), dbSNP rs772165754, ClinGen allele CA349065298.